The following is an entry in ClinVar:

NM_004168.4(SDHA):c.1492A>C (p.Lys498Gln)

Gene: SDHA (succinate dehydrogenase complex flavoprotein subunit A; plus strand). Cytogenetic location: 5p15.33.
Variant type: single nucleotide variant.
Coding change: c.1492A>C on transcript NM_004168.4 (MANE Select); coding-DNA position 1492, A replaced by C.
Protein change: p.Lys498Gln; replaces lysine 498 with glutamine.
Molecular consequence: missense variant.
Genome position (GRCh38, 1-based): chr5:240,417, A>C. VCF-style: chr5-240417-A-C. GRCh37 (hg19) VCF-style: chr5-240532-A-C.
Other names: c.1348A>C, p.Lys450Gln (NM_001294332.2); c.1492A>C, p.Lys498Gln (NM_001330758.2); short protein forms K450Q, K498Q.
Identifiers: ClinVar variation 1773804 (VCV001773804.7), dbSNP rs372039270, ClinGen allele CA3173263.

ClinVar aggregate classification (germline): Uncertain significance. Review status: criteria provided, multiple submitters, no conflicts (2 of 4 stars). 2 submissions from 2 submitters: Uncertain significance (2). Last evaluated 2025-08-24.

Conditions:
Hereditary cancer-predisposing syndrome. Also called: Tumor predisposition; Hereditary Cancer Syndrome; Hereditary neoplastic syndrome; Neoplastic Syndromes, Hereditary. Identifiers: Orphanet 140162, MedGen C0027672, MeSH D009386, MONDO:0015356.
Mitochondrial complex II deficiency, nuclear type 1. Also called: SUCCINATE CoQ REDUCTASE DEFICIENCY. Identifiers: Orphanet 3208, MedGen C5700310, MONDO:0100294, OMIM 252011.
Pheochromocytoma/paraganglioma syndrome 5. Also called: Paragangliomas 5; SDHA-Related Hereditary Paraganglioma-Pheochromocytoma Syndrome. Identifiers: Orphanet 29072, MedGen C3279992, MONDO:0013602, OMIM 614165.

Allele frequency attached by ClinVar (database versions not stated): gnomAD exomes below 0.00001; ExAC 0.00001; ESP Exome Variant Server 0.00008.
gnomAD v4.1: 2 of 1,611,946 alleles (0.00012%); highest among the groups gnomAD compares: Non-Finnish European, 0.00017%; no homozygotes.

Submissions (2):

Labcorp Genetics (formerly Invitae), Labcorp
Classification: Uncertain significance for Pheochromocytoma/paraganglioma syndrome 5; Mitochondrial complex II deficiency, nuclear type 1. Last evaluated: 2025-08-24. Review status: criteria provided, single submitter. Criteria: Invitae Variant Classification Sherloc (09022015). Collection method: clinical testing. Allele origin: germline.
Comment: This sequence change replaces lysine, which is basic and polar, with glutamine, which is neutral and polar, at codon 498 of the SDHA protein (p.Lys498Gln). This variant is present in population databases (rs372039270, gnomAD 0.0009%). This variant has not been reported in the literature in individuals affected with SDHA-related conditions. ClinVar contains an entry for this variant (Variation ID: 1773804). Invitae Evidence Modeling of protein sequence and biophysical properties (such as structural, functional, and spatial information, amino acid conservation, physicochemical variation, residue mobility, and thermodynamic stability) indicates that this missense variant is not expected to disrupt SDHA protein function with a negative predictive value of 95%. In summary, the available evidence is currently insufficient to determine the role of this variant in disease. Therefore, it has been classified as a Variant of Uncertain Significance.

Ambry Genetics
Classification: Uncertain significance for Hereditary cancer-predisposing syndrome. Last evaluated: 2024-01-03. Review status: criteria provided, single submitter. Criteria: Ambry Variant Classification Scheme 2023. Collection method: clinical testing. Allele origin: germline.
Comment: The p.K498Q variant (also known as c.1492A>C), located in coding exon 11 of the SDHA gene, results from an A to C substitution at nucleotide position 1492. The lysine at codon 498 is replaced by glutamine, an amino acid with similar properties. This amino acid position is well conserved in available vertebrate species. In addition, the in silico prediction for this alteration is inconclusive. Since supporting evidence is limited at this time, the clinical significance of this alteration remains unclear.